The following is an entry in ClinVar:

ClinVar aggregate classification (germline): Uncertain significance (1 of 4 stars; one submission).

Conditions:
3-methylglutaconic aciduria type 1 (MGCA1). Identifiers: Orphanet 67046, MedGen C0342727, MONDO:0009610, OMIM 250950.

Submission:

Labcorp Genetics (formerly Invitae), Labcorp
Classification: Uncertain significance for 3-methylglutaconic aciduria type 1. Last evaluated: 2021-12-02. Review status: criteria provided, single submitter. Criteria: Invitae Variant Classification Sherloc (09022015). Collection method: clinical testing. Allele origin: germline.
Comment: This variant is not present in population databases (gnomAD no frequency). In summary, the available evidence is currently insufficient to determine the role of this variant in disease. Therefore, it has been classified as a Variant of Uncertain Significance. This variant has not been reported in the literature in individuals affected with AUH-related conditions. This variant, c.268_282del, results in the deletion of 5 amino acid(s) of the AUH protein (p.Val90_Ile94del), but otherwise preserves the integrity of the reading frame.

NM_001698.3(AUH):c.268_282del (p.Val90_Ile94del)

Gene: AUH (AU RNA binding methylglutaconyl-CoA hydratase; minus strand). Cytogenetic location: 9q22.31.
Variant type: Deletion.
Coding change: c.268_282del on transcript NM_001698.3 (MANE Select); coding-DNA positions 268 to 282, 15 bases deleted (GTGGTGCTTGGAATA).
Protein change: p.Val90_Ile94del.
Molecular consequence: inframe deletion. On other transcripts: 5 prime UTR variant (3).
Genome position (GRCh38, 1-based): chr9:91,356,136-91,356,150, TATTCCAAGCACCAC deleted on the plus strand (GTGGTGCTTGGAATA on the coding strand, the reverse complement: AUH is on the minus strand). VCF-style (leftmost placement, unchanged base first): chr9-91356135-TTATTCCAAGCACCAC-T. GRCh37 (hg19) VCF-style: chr9-94118417-TTATTCCAAGCACCAC-T.
Other names: c.268_282del, p.Val90_Ile94del (NM_001306190.2); c.-60_-46del (NM_001351431.2, NM_001351432.2, NM_001351433.2).
Identifiers: ClinVar variation 1377693 (VCV001377693.8), dbSNP rs2132084310, ClinGen allele CA2573144786.